The following is an entry in ClinVar:

ClinVar aggregate classification (germline): Uncertain significance (1 of 4 stars; one submission).

Conditions:
Hereditary cancer-predisposing syndrome. Also called: Neoplastic Syndromes, Hereditary; Tumor predisposition; Hereditary Cancer Syndrome; Hereditary neoplastic syndrome. Identifiers: Orphanet 140162, MedGen C0027672, MeSH D009386, MONDO:0015356.
Cardiovascular phenotype. Identifiers: MedGen CN230736.

Allele frequency attached by ClinVar (database versions not stated): gnomAD exomes below 0.00001.
gnomAD v4.1: 1 of 1,613,392 alleles (0.000062%); highest among the groups gnomAD compares: Non-Finnish European, 0.000085%; no homozygotes.

Submission:

Ambry Genetics
Classification: Uncertain significance for Cardiovascular phenotype; Hereditary cancer-predisposing syndrome. Last evaluated: 2022-03-04. Review status: criteria provided, single submitter. Criteria: Ambry Variant Classification Scheme 2023. Collection method: clinical testing. Allele origin: germline.
Comment: The p.I612M variant (also known as c.1836C>G), located in coding exon 16 of the LZTR1 gene, results from a C to G substitution at nucleotide position 1836. The isoleucine at codon 612 is replaced by methionine, an amino acid with highly similar properties. This amino acid position is conserved. In addition, the in silico prediction for this alteration is inconclusive. Since supporting evidence is limited at this time, the clinical significance of this alteration remains unclear.

NM_006767.4(LZTR1):c.1836C>G (p.Ile612Met)

Gene: LZTR1 (leucine zipper like post translational regulator 1; plus strand). Cytogenetic location: 22q11.21.
Variant type: single nucleotide variant.
Coding change: c.1836C>G on transcript NM_006767.4 (MANE Select); coding-DNA position 1836, C replaced by G.
Protein change: p.Ile612Met; replaces isoleucine 612 with methionine.
Molecular consequence: missense variant.
Genome position (GRCh38, 1-based): chr22:20,994,920, C>G. VCF-style: chr22-20994920-C-G. GRCh37 (hg19) VCF-style: chr22-21349209-C-G.
Other names: short protein forms I612M.
Identifiers: ClinVar variation 1781043 (VCV001781043.2), dbSNP rs2518622398, ClinGen allele CA410778561.